The following is an entry in ClinVar:

ClinVar aggregate classification (germline): Uncertain significance. Review status: criteria provided, multiple submitters, no conflicts (2 of 4 stars). 2 submissions from 2 submitters: Uncertain significance (2). Last evaluated 2023-06-16.

gnomAD v4.1: 1 of 1,472,396 alleles (0.000068%); no homozygotes.

Submissions (2):

Labcorp Genetics (formerly Invitae), Labcorp
Classification: Uncertain significance. Last evaluated: 2023-06-16. Review status: criteria provided, single submitter. Criteria: Invitae Variant Classification Sherloc (09022015). Collection method: clinical testing. Allele origin: germline.
Comment: In summary, the available evidence is currently insufficient to determine the role of this variant in disease. Therefore, it has been classified as a Variant of Uncertain Significance. An algorithm developed to predict the effect of missense changes on protein structure and function (PolyPhen-2) suggests that this variant is likely to be tolerated. ClinVar contains an entry for this variant (Variation ID: 1012913). This variant has not been reported in the literature in individuals affected with TNFRSF11A-related conditions. This variant is not present in population databases (gnomAD no frequency). This sequence change replaces glutamic acid, which is acidic and polar, with glutamine, which is neutral and polar, at codon 602 of the TNFRSF11A protein (p.Glu602Gln).

CeGaT Center for Human Genetics Tuebingen
Classification: Uncertain significance. Last evaluated: 2020-10-01. Review status: criteria provided, single submitter. Criteria: CeGaT Center For Human Genetics Tuebingen Variant Classification Criteria Version 2. Collection method: clinical testing. Allele origin: germline. Affected: yes. Observed: 2 variant alleles.

NM_003839.4(TNFRSF11A):c.1804G>C (p.Glu602Gln)

Gene: TNFRSF11A (TNF receptor superfamily member 11a; plus strand). Cytogenetic location: 18q21.33.
Variant type: single nucleotide variant.
Coding change: c.1804G>C on transcript NM_003839.4 (MANE Select); coding-DNA position 1804, G replaced by C.
Protein change: p.Glu602Gln; replaces glutamic acid 602 with glutamine.
Molecular consequence: missense variant. On other transcripts: 3 prime UTR variant (1).
Genome position (GRCh38, 1-based): chr18:62,384,987, G>C. VCF-style: chr18-62384987-G-C. GRCh37 (hg19) VCF-style: chr18-60052220-G-C.
Other names: c.*228G>C (NM_001270949.2); c.967G>C, p.Glu323Gln (NM_001270950.2); c.853G>C, p.Glu285Gln (NM_001270951.2); c.1762G>C, p.Glu588Gln (NM_001278268.2); short protein forms E285Q, E323Q, E588Q, E602Q.
Identifiers: ClinVar variation 1012913 (VCV001012913.41), dbSNP rs1911611203, ClinGen allele CA402621645.